The following is an entry in ClinVar:

ClinVar aggregate classification (germline): Pathogenic (1 of 4 stars; one submission).

gnomAD v4.1: 1 of 1,612,294 alleles (0.000062%); highest among the groups gnomAD compares: South Asian, 0.0011%; no homozygotes.

Submission:

Labcorp Genetics (formerly Invitae), Labcorp
Classification: Pathogenic. Last evaluated: 2024-05-10. Review status: criteria provided, single submitter. Criteria: Invitae Variant Classification Sherloc (09022015). Collection method: clinical testing. Allele origin: germline.
Comment: This sequence change creates a premature translational stop signal (p.Tyr1502*) in the SI gene. It is expected to result in an absent or disrupted protein product. Loss-of-function variants in SI are known to be pathogenic (PMID: 16329100, 23103650, 25452324). This variant is not present in population databases (gnomAD no frequency). This variant has not been reported in the literature in individuals affected with SI-related conditions. For these reasons, this variant has been classified as Pathogenic.

Literature cited by the submitters: PubMed 16329100; PubMed 23103650; PubMed 25452324.

NM_001041.4(SI):c.4506T>G (p.Tyr1502Ter)

Gene: SI (sucrase-isomaltase; minus strand). Cytogenetic location: 3q26.1.
Variant type: single nucleotide variant.
Coding change: c.4506T>G on transcript NM_001041.4 (MANE Select); coding-DNA position 4506, T replaced by G.
Protein change: p.Tyr1502Ter; replaces tyrosine 1502 with a stop codon.
Molecular consequence: nonsense.
Genome position (GRCh38, 1-based): chr3:164,998,574, A>C on the plus strand (T>G on the coding strand, the complement: SI is on the minus strand). VCF-style: chr3-164998574-A-C. GRCh37 (hg19) VCF-style: chr3-164716362-A-C.
Other names: short protein forms Y1502*.
Identifiers: ClinVar variation 3651817 (VCV003651817.2).